The following is an entry in ClinVar:

ClinVar aggregate classification (germline): Uncertain significance. Review status: criteria provided, single submitter (1 of 4 stars). 2 submissions from 2 submitters: Uncertain significance (1). 1 of the submissions does not count toward it. Last evaluated 2022-02-05.

Conditions:
Hereditary insensitivity to pain with anhidrosis (CIPA). Also called: NEUROPATHY, CONGENITAL SENSORY, WITH ANHIDROSIS; NTRK1 Congenital Insensitivity to Pain with Anhidrosis; INSENSITIVITY TO PAIN, CONGENITAL, WITH ANHIDROSIS; FAMILIAL DYSAUTONOMIA, TYPE II; hereditary sensory and autonomic neuropathy type 4; HSAN Type IV. Identifiers: Orphanet 642, MedGen C0020074, MONDO:0009746, OMIM 256800.

gnomAD v4.1: 1 of 1,613,784 alleles (0.000062%); highest among the groups gnomAD compares: Admixed American, 0.0017%; no homozygotes.

Submissions (2):

Labcorp Genetics (formerly Invitae), Labcorp
Classification: Uncertain significance for Hereditary insensitivity to pain with anhidrosis. Last evaluated: 2022-02-05. Review status: criteria provided, single submitter. Criteria: Invitae Variant Classification Sherloc (09022015). Collection method: clinical testing. Allele origin: germline.
Comment: This sequence change replaces arginine, which is basic and polar, with serine, which is neutral and polar, at codon 568 of the NTRK1 protein (p.Arg568Ser). This variant is present in population databases (no rsID available, gnomAD 0.003%). This variant has not been reported in the literature in individuals affected with NTRK1-related conditions. ClinVar contains an entry for this variant (Variation ID: 1037825). Advanced modeling of protein sequence and biophysical properties (such as structural, functional, and spatial information, amino acid conservation, physicochemical variation, residue mobility, and thermodynamic stability) performed at Invitae indicates that this missense variant is not expected to disrupt NTRK1 protein function. Algorithms developed to predict the effect of sequence changes on RNA splicing suggest that this variant may create or strengthen a splice site. In summary, the available evidence is currently insufficient to determine the role of this variant in disease. Therefore, it has been classified as a Variant of Uncertain Significance.

Natera, Inc.
Classification: Uncertain significance for Hereditary insensitivity to pain with anhidrosis. Last evaluated: 2020-02-18. Review status: no assertion criteria provided. Collection method: clinical testing. Allele origin: germline. Not counted in ClinVar's aggregate classification.

NM_002529.4(NTRK1):c.1720C>A (p.Arg574Ser)

Gene: NTRK1 (neurotrophic receptor tyrosine kinase 1; plus strand). Cytogenetic location: 1q23.1.
Variant type: single nucleotide variant.
Coding change: c.1720C>A on transcript NM_002529.4 (MANE Select); coding-DNA position 1720, C replaced by A.
Protein change: p.Arg574Ser; replaces arginine 574 with serine.
Molecular consequence: missense variant.
Genome position (GRCh38, 1-based): chr1:156,876,487, C>A. VCF-style: chr1-156876487-C-A. GRCh37 (hg19) VCF-style: chr1-156846279-C-A.
Other names: c.1612C>A, p.Arg538Ser (NM_001007792.1); c.1702C>A, p.Arg568Ser (NM_001012331.2); short protein forms R568S, R574S, R538S.
Identifiers: ClinVar variation 1037825 (VCV001037825.9), dbSNP rs368806213, ClinGen allele CA342938571.